The following is an entry in ClinVar:

ClinVar aggregate classification (germline): Uncertain significance (1 of 4 stars; one submission).

Conditions:
POLD1-related polyposis and colorectal cancer syndrome (CRCS10). Also called: Colorectal cancer 10; COLORECTAL CANCER, SUSCEPTIBILITY TO, ON CHROMOSOME 19q; Colorectal cancer, susceptibility to, 10. Identifiers: Orphanet 220460, MedGen C2675481, MONDO:0012953, OMIM 612591.

Submission:

Labcorp Genetics (formerly Invitae), Labcorp
Classification: Uncertain significance for POLD1-related polyposis and colorectal cancer syndrome. Last evaluated: 2024-04-15. Review status: criteria provided, single submitter. Criteria: Invitae Variant Classification Sherloc (09022015). Collection method: clinical testing. Allele origin: germline.
Comment: This sequence change creates a premature translational stop signal (p.Phe209Serfs*67) in the POLD1 gene. Missense variants that disrupt the 3'-5' exonuclease (proof-reading) activity of the POLD1 protein are associated with PPAP (polymerase proofreading–associated polyposis) (PMID: 23263490, 23447401). However, loss-of-function variants that result in an absent or severely disrupted POLD1 protein, and missense variants outside the exonuclease domain, are unlikely to be associated with PPAP. This variant is not present in population databases (gnomAD no frequency). This variant has not been reported in the literature in individuals affected with POLD1-related conditions. In summary, the available evidence is currently insufficient to determine the role of this variant in disease. Therefore, it has been classified as a Variant of Uncertain Significance.

Literature cited by the submitters: PubMed 23263490; PubMed 23447401.

NM_002691.4(POLD1):c.626del (p.Phe209fs)

Gene: POLD1 (DNA polymerase delta 1, catalytic subunit; plus strand). Cytogenetic location: 19q13.33.
Variant type: Deletion.
Coding change: c.626del on transcript NM_002691.4 (MANE Select); coding-DNA position 626, one base deleted (T; older notation c.626delT).
Protein change: p.Phe209fs; shifts the reading frame from phenylalanine 209.
Molecular consequence: frameshift variant. On other transcripts: non-coding transcript variant (1).
Genome position (GRCh38, 1-based): chr19:50,402,241, T deleted; the last of 2 consecutive T bases (chr19:50,402,240-50,402,241); deleting either gives the same sequence. VCF-style (leftmost placement, unchanged base first): chr19-50402239-GT-G. GRCh37 (hg19) VCF-style: chr19-50905496-GT-G.
Other names: c.626del, p.Phe209fs (NM_001256849.1, NM_001308632.1); short protein forms F209fs.
Identifiers: ClinVar variation 3649899 (VCV003649899.2).